The following is an entry in ClinVar:

ClinVar aggregate classification (germline): Uncertain significance (1 of 4 stars; one submission).

Allele frequency attached by ClinVar (database versions not stated): gnomAD exomes 0.00001; ExAC 0.00002; 1000 Genomes Project 0.00020; 1000 Genomes Project 30x 0.00031.
gnomAD v4.1: 21 of 1,613,946 alleles (0.0013%); highest among the groups gnomAD compares: Admixed American, 0.018%; no homozygotes.

Submission:

Labcorp Genetics (formerly Invitae), Labcorp
Classification: Uncertain significance. Last evaluated: 2025-06-19. Review status: criteria provided, single submitter. Criteria: Invitae Variant Classification Sherloc (09022015). Collection method: clinical testing. Allele origin: germline.
Comment: This sequence change replaces arginine, which is basic and polar, with tryptophan, which is neutral and slightly polar, at codon 457 of the PLD3 protein (p.Arg457Trp). This variant is present in population databases (rs577323456, gnomAD 0.008%). This variant has not been reported in the literature in individuals affected with PLD3-related conditions. ClinVar contains an entry for this variant (Variation ID: 2069412). An algorithm developed to predict the effect of missense changes on protein structure and function (PolyPhen-2) suggests that this variant is likely to be disruptive. In summary, the available evidence is currently insufficient to determine the role of this variant in disease. Therefore, it has been classified as a Variant of Uncertain Significance.

NM_012268.4(PLD3):c.1369C>T (p.Arg457Trp)

Gene: PLD3 (phospholipase D family member 3; plus strand). Cytogenetic location: 19q13.2.
Variant type: single nucleotide variant.
Coding change: c.1369C>T on transcript NM_012268.4 (MANE Select); coding-DNA position 1369, C replaced by T.
Protein change: p.Arg457Trp; replaces arginine 457 with tryptophan.
Molecular consequence: missense variant.
Genome position (GRCh38, 1-based): chr19:40,378,069, C>T. VCF-style: chr19-40378069-C-T. GRCh37 (hg19) VCF-style: chr19-40883976-C-T.
Other names: c.1369C>T, p.Arg457Trp (NM_001031696.4, NM_001291311.2); short protein forms R457W.
Identifiers: ClinVar variation 2069412 (VCV002069412.4), dbSNP rs577323456, ClinGen allele CA9443041.
Genomic context (GRCh38, chr19:40,378,069, plus strand): 5'-TACTTCACGGAGACGGCGGGCACCTCGCTGCTGGTGACGCAGAATGGGAGGGGCGGCCTG[C>T]GGAGCCAGCTGGAGGCCATTTTCCTGAGGGACTGGGACTCCCCTTACAGCCATGACCTTG-3'
Protein context (NP_036400.2, residues 447-467): LVTQNGRGGL[Arg457Trp]SQLEAIFLRD